The following is an entry in ClinVar:

NM_000551.4(VHL):c.5C>G (p.Pro2Arg)

Gene: VHL (von Hippel-Lindau tumor suppressor; plus strand). Cytogenetic location: 3p25.3.
Variant type: single nucleotide variant.
Coding change: c.5C>G on transcript NM_000551.4 (MANE Select); coding-DNA position 5, C replaced by G.
Protein change: p.Pro2Arg; replaces proline 2 with arginine.
Molecular consequence: missense variant.
Genome position (GRCh38, 1-based): chr3:10,141,852, C>G. VCF-style: chr3-10141852-C-G. GRCh37 (hg19) VCF-style: chr3-10183536-C-G.
Other names: c.5C>G, p.Pro2Arg (NM_001354723.2, NM_198156.3); short protein forms P2R.
Identifiers: ClinVar variation 411980 (VCV000411980.15), dbSNP rs111246617, ClinGen allele CA16611054.

ClinVar aggregate classification (germline): Uncertain significance. Review status: criteria provided, multiple submitters, no conflicts (2 of 4 stars). 5 submissions from 5 submitters: Uncertain significance (5). Last evaluated 2025-05-05.

Conditions:
Hereditary cancer-predisposing syndrome. Also called: Hereditary neoplastic syndrome; Neoplastic Syndromes, Hereditary; Tumor predisposition; Hereditary Cancer Syndrome. Identifiers: Orphanet 140162, MedGen C0027672, MeSH D009386, MONDO:0015356.
Von Hippel-Lindau syndrome (VHLS). Also called: Von Hippel-Lindau; VHL syndrome; von Hippel–Lindau syndrome. Identifiers: Orphanet 892, MedGen C0019562, MONDO:0008667, OMIM 193300. Disease mechanism: loss of function.
Chuvash polycythemia. Also called: POLYCYTHEMIA, VHL-DEPENDENT. Identifiers: Orphanet 238557, MedGen C1837915, MONDO:0009892, OMIM 263400.

gnomAD v4.1: 7 of 1,535,990 alleles (0.00046%); highest among the groups gnomAD compares: Middle Eastern, 0.023%; no homozygotes.

Submissions (5):

Labcorp Genetics (formerly Invitae), Labcorp
Classification: Uncertain significance for Von Hippel-Lindau syndrome; Chuvash polycythemia. Last evaluated: 2025-05-05. Review status: criteria provided, single submitter. Criteria: Invitae Variant Classification Sherloc (09022015). Collection method: clinical testing. Allele origin: germline.
Comment: This sequence change replaces proline, which is neutral and non-polar, with arginine, which is basic and polar, at codon 2 of the VHL protein (p.Pro2Arg). This variant is present in population databases (no rsID available, gnomAD 0.005%). This variant has not been reported in the literature in individuals affected with VHL-related conditions. ClinVar contains an entry for this variant (Variation ID: 411980). Invitae Evidence Modeling of protein sequence and biophysical properties (such as structural, functional, and spatial information, amino acid conservation, physicochemical variation, residue mobility, and thermodynamic stability) indicates that this missense variant is not expected to disrupt VHL protein function with a negative predictive value of 95%. In summary, the available evidence is currently insufficient to determine the role of this variant in disease. Therefore, it has been classified as a Variant of Uncertain Significance.

Ambry Genetics
Classification: Uncertain significance for Hereditary cancer-predisposing syndrome. Last evaluated: 2023-12-08. Review status: criteria provided, single submitter. Criteria: Ambry Variant Classification Scheme 2023. Collection method: clinical testing. Allele origin: germline.
Comment: The p.P2R variant (also known as c.5C>G), located in coding exon 1 of the VHL gene, results from a C to G substitution at nucleotide position 5. The proline at codon 2 is replaced by arginine, an amino acid with dissimilar properties. This amino acid position is well conserved in available vertebrate species. In addition, this alteration is predicted to be tolerated by in silico analysis. Since supporting evidence is limited at this time, the clinical significance of this alteration remains unclear.

All of Us Research Program, National Institutes of Health
Classification: Uncertain significance for Von Hippel-Lindau syndrome. Last evaluated: 2023-11-20. Review status: criteria provided, single submitter. Criteria: ACMG Guidelines, 2015. Collection method: clinical testing. Allele origin: germline. Inheritance: Autosomal dominant inheritance. Observed: 2 variant alleles, 2 heterozygotes.
Comment: This missense variant replaces proline with arginine at codon 2 of the VHL protein. Computational prediction suggests that this variant may not impact protein structure and function (internally defined REVEL score threshold <= 0.5, PMID: 27666373). To our knowledge, functional studies have not been reported for this variant. This variant has not been reported in individuals affected with VHL-related disorders in the literature. This variant has been identified in 2/139824 chromosomes in the general population by the Genome Aggregation Database (gnomAD). The available evidence is insufficient to determine the role of this variant in disease conclusively. Therefore, this variant is classified as a Variant of Uncertain Significance.

This study involves interpretation of variants in research participants for the purpose of population health screening. Participant phenotype was not available at the time of variant classification. Additional details can be found in publication PMID: 35346344, PMCID: PMC8962531

Baylor Genetics
Classification: Uncertain significance for Chuvash polycythemia. Last evaluated: 2023-11-04. Review status: criteria provided, single submitter. Criteria: ACMG Guidelines, 2015. Collection method: clinical testing. Allele origin: unknown.

Sema4
Classification: Uncertain significance for Hereditary cancer-predisposing syndrome. Last evaluated: 2022-02-25. Review status: criteria provided, single submitter. Criteria: Sema4 Curation Guidelines. Collection method: curation. Allele origin: germline.
Comment: The VHL c.5C>G (p.P2R) variant has not been reported in the literature to our knowledge. This variant was observed in 1/21316 chromosomes in the South Asian population, according to the Genome Aggregation Database (PMID: 32461654). The variant has been reported in ClinVar (Variation ID: 411980). Functional studies have not been performed, and in silico predictions of the variant's effect on protein function are inconclusive. The evidence is insufficient to meet ACMG/AMP criteria for classifying the variant as benign or pathogenic. Thus, the clinical significance of this variant is currently uncertain.